The following is an entry in ClinVar:

ClinVar aggregate classification (germline): Uncertain significance (1 of 4 stars; one submission).

Conditions:
Chédiak-Higashi syndrome (CHS). Also called: Chediak-Higashi Syndrome. Identifiers: Orphanet 167, MedGen C0007965, MONDO:0008963, OMIM 214500.

Submission:

Labcorp Genetics (formerly Invitae), Labcorp
Classification: Uncertain significance for Chédiak-Higashi syndrome. Last evaluated: 2020-03-10. Review status: criteria provided, single submitter. Criteria: Invitae Variant Classification Sherloc (09022015). Collection method: clinical testing. Allele origin: germline.
Comment: In summary, the available evidence is currently insufficient to determine the role of this variant in disease. Therefore, it has been classified as a Variant of Uncertain Significance. Algorithms developed to predict the effect of sequence changes on RNA splicing suggest that this variant may create or strengthen a splice site, but this prediction has not been confirmed by published transcriptional studies. Algorithms developed to predict the effect of missense changes on protein structure and function are either unavailable or do not agree on the potential impact of this missense change (SIFT: "Deleterious"; PolyPhen-2: "Possibly Damaging"; Align-GVGD: "Class C0"). This variant has not been reported in the literature in individuals with LYST-related conditions. This variant is not present in population databases (ExAC no frequency). This sequence change replaces phenylalanine with cysteine at codon 1629 of the LYST protein (p.Phe1629Cys). The phenylalanine residue is moderately conserved and there is a large physicochemical difference between phenylalanine and cysteine.

NM_000081.4(LYST):c.4886T>G (p.Phe1629Cys)

Gene: LYST (lysosomal trafficking regulator; minus strand). Cytogenetic location: 1q42.3.
Variant type: single nucleotide variant.
Coding change: c.4886T>G on transcript NM_000081.4 (MANE Select); coding-DNA position 4886, T replaced by G.
Protein change: p.Phe1629Cys; replaces phenylalanine 1629 with cysteine.
Molecular consequence: missense variant.
Genome position (GRCh38, 1-based): chr1:235,782,064, A>C on the plus strand (T>G on the coding strand, the complement: LYST is on the minus strand). VCF-style: chr1-235782064-A-C. GRCh37 (hg19) VCF-style: chr1-235945364-A-C.
Other names: c.4886T>G, p.Phe1629Cys (NM_001301365.1); short protein forms F1629C.
Identifiers: ClinVar variation 1039465 (VCV001039465.8), dbSNP rs2528043723, ClinGen allele CA344956471.